The following is an entry in ClinVar:

NM_003278.3(CLEC3B):c.342C>A (p.Asn114Lys)

Gene: CLEC3B (C-type lectin domain family 3 member B; plus strand). Cytogenetic location: 3p21.31.
Variant type: single nucleotide variant.
Coding change: c.342C>A on transcript NM_003278.3 (MANE Select); coding-DNA position 342, C replaced by A.
Protein change: p.Asn114Lys; replaces asparagine 114 with lysine.
Molecular consequence: missense variant.
Genome position (GRCh38, 1-based): chr3:45,035,657, C>A. VCF-style: chr3-45035657-C-A. GRCh37 (hg19) VCF-style: chr3-45077149-C-A.
Other names: c.216C>A, p.Asn72Lys (NM_001308394.2); short protein forms N114K, N72K.
Identifiers: ClinVar variation 4084690 (VCV004084690.8).

ClinVar aggregate classification (germline): Uncertain significance (1 of 4 stars; one submission).

Submission:

CeGaT Center for Human Genetics Tuebingen
Classification: Uncertain significance. Last evaluated: 2025-07-01. Review status: criteria provided, single submitter. Criteria: CeGaT Center For Human Genetics Tuebingen Variant Classification Criteria Version 2. Collection method: clinical testing. Allele origin: germline. Affected: yes. Observed: 1 variant allele.
Comment: CLEC3B: PM2